The following is an entry in ClinVar:

NM_000271.5(NPC1):c.563A>G (p.Asn188Ser)

Gene: NPC1 (NPC intracellular cholesterol transporter 1; minus strand). Cytogenetic location: 18q11.2.
Variant type: single nucleotide variant.
Coding change: c.563A>G on transcript NM_000271.5 (MANE Select); coding-DNA position 563, A replaced by G.
Protein change: p.Asn188Ser; replaces asparagine 188 with serine.
Molecular consequence: missense variant.
Genome position (GRCh38, 1-based): chr18:23,561,428, T>C on the plus strand (A>G on the coding strand, the complement: NPC1 is on the minus strand). VCF-style: chr18-23561428-T-C. GRCh37 (hg19) VCF-style: chr18-21141392-T-C.
Other names: short protein forms N188S.
Identifiers: ClinVar variation 659101 (VCV000659101.20), dbSNP rs549048534, ClinGen allele CA8913704.

ClinVar aggregate classification (germline): Uncertain significance. Review status: criteria provided, multiple submitters, no conflicts (2 of 4 stars). 5 submissions from 5 submitters: Uncertain significance (4). 1 of the submissions does not count toward it. Last evaluated 2025-11-06.

Conditions:
Niemann-Pick disease, type C1. Also called: NEUROVISCERAL STORAGE DISEASE WITH VERTICAL SUPRANUCLEAR OPHTHALMOPLEGIA; NIEMANN-PICK DISEASE WITH CHOLESTEROL ESTERIFICATION BLOCK; NIEMANN-PICK DISEASE WITHOUT SPHINGOMYELINASE DEFICIENCY; NIEMANN-PICK DISEASE, CHRONIC NEURONOPATHIC FORM; NIEMANN-PICK DISEASE, VARIANT TYPE C1. Identifiers: Orphanet 646, MedGen C3179455, MONDO:0009757, OMIM 257220.

Allele frequency attached by ClinVar (database versions not stated): ExAC 0.00002; gnomAD 0.00006 and 0.00007; 1000 Genomes Project 0.00020; TOPMed 0.00005; 1000 Genomes Project 30x 0.00031; gnomAD exomes 0.00004.

Submissions (5):

Women's Health and Genetics/Laboratory Corporation of America, LabCorp
Classification: Uncertain significance. Last evaluated: 2025-11-06. Review status: criteria provided, single submitter. Criteria: LabCorp Variant Classification Summary - May 2015. Collection method: clinical testing. Allele origin: germline.
Comment: Variant summary: NPC1 c.563A>G (p.Asn188Ser) results in a conservative amino acid change in the encoded protein sequence. Algorithms developed to predict the effect of missense changes on protein structure and function are either unavailable or do not agree on the potential impact of this missense change. The variant allele was found at a frequency of 3.6e-05 in 251476 control chromosomes. The available data on variant occurrences in the general population are insufficient to allow any conclusion about variant significance. c.563A>G has been observed in in one heterozygous individual with symptoms of Niemann-Pick Disease Type C (NP-C), but who was ultimately categorized as NP-C uncertain (Bauer_2013). This report does not provide unequivocal conclusions about association of the variant with Niemann-Pick Disease Type C. To our knowledge, no experimental evidence demonstrating an impact on protein function has been reported. The following publication has been ascertained in the context of this evaluation (PMID: 23773996). ClinVar contains an entry for this variant (Variation ID: 659101). Based on the evidence outlined above, the variant was classified as uncertain significance.

Clinical Genetics Laboratory, University Hospital Schleswig-Holstein
Classification: Uncertain significance for Niemann-Pick disease, type C1. Last evaluated: 2025-03-26. Review status: criteria provided, single submitter. Criteria: ACMG Guidelines, 2015. Collection method: clinical testing. Allele origin: paternal. Affected: yes. Observed: 1 compound heterozygote.
Comment: ACMG criteria applied: PM2, PM1_Suppor-ting, PM3

CeGaT Center for Human Genetics Tuebingen
Classification: Uncertain significance. Last evaluated: 2025-02-01. Review status: criteria provided, single submitter. Criteria: CeGaT Center For Human Genetics Tuebingen Variant Classification Criteria Version 2. Collection method: clinical testing. Allele origin: germline. Affected: yes. Observed: 1 variant allele.
Comment: NPC1: PM1, PM2, PM3:Supporting

Labcorp Genetics (formerly Invitae), Labcorp
Classification: Uncertain significance for Niemann-Pick disease, type C1. Last evaluated: 2022-06-27. Review status: criteria provided, single submitter. Criteria: Invitae Variant Classification Sherloc (09022015). Collection method: clinical testing. Allele origin: germline.
Comment: This sequence change replaces asparagine, which is neutral and polar, with serine, which is neutral and polar, at codon 188 of the NPC1 protein (p.Asn188Ser). This variant is present in population databases (rs549048534, gnomAD 0.008%). This variant has not been reported in the literature in individuals affected with NPC1-related conditions. ClinVar contains an entry for this variant (Variation ID: 659101). Algorithms developed to predict the effect of missense changes on protein structure and function (SIFT, PolyPhen-2, Align-GVGD) all suggest that this variant is likely to be tolerated. Algorithms developed to predict the effect of sequence changes on RNA splicing suggest that this variant may create or strengthen a splice site. In summary, the available evidence is currently insufficient to determine the role of this variant in disease. Therefore, it has been classified as a Variant of Uncertain Significance.

Natera, Inc.
Classification: Uncertain significance for Niemann-Pick disease type C1. Last evaluated: 2020-03-05. Review status: no assertion criteria provided. Collection method: clinical testing. Allele origin: germline. Not counted in ClinVar's aggregate classification.

Literature cited by the submitters: PubMed 23773996 (cited by Women's Health and Genetics/Laboratory Corporation of America, LabCorp).